The following is an entry in ClinVar:

NM_170754.4(TNS2):c.1322C>G (p.Ser441Cys)

Gene: TNS2 (tensin 2; plus strand). Cytogenetic location: 12q13.13.
Variant type: single nucleotide variant.
Coding change: c.1322C>G on transcript NM_170754.4 (MANE Select); coding-DNA position 1322, C replaced by G.
Protein change: p.Ser441Cys; replaces serine 441 with cysteine.
Molecular consequence: missense variant.
Genome position (GRCh38, 1-based): chr12:53,058,744, C>G. VCF-style: chr12-53058744-C-G. GRCh37 (hg19) VCF-style: chr12-53452528-C-G.
Other names: c.1322C>G, p.Ser441Cys (NM_001416202.1, NM_001416204.1); c.1253C>G, p.Ser418Cys (NM_001416203.1, NM_015319.3); c.950C>G, p.Ser317Cys (NM_198316.2); short protein forms S317C, S418C, S441C.
Identifiers: ClinVar variation 2643039 (VCV002643039.24), dbSNP rs2539642602, ClinGen allele CA385008940.

ClinVar aggregate classification (germline): Uncertain significance (1 of 4 stars; one submission).

Submission:

CeGaT Center for Human Genetics Tuebingen
Classification: Uncertain significance. Last evaluated: 2023-03-01. Review status: criteria provided, single submitter. Criteria: CeGaT Center For Human Genetics Tuebingen Variant Classification Criteria Version 2. Collection method: clinical testing. Allele origin: germline. Affected: yes. Observed: 1 variant allele.
Comment: TNS2: PM2